The following is an entry in ClinVar:

ClinVar aggregate classification (germline): Uncertain significance (1 of 4 stars; one submission).

Conditions:
Epileptic encephalopathy. Identifiers: MedGen C0543888, HP:0200134.

Submission:

Labcorp Genetics (formerly Invitae), Labcorp
Classification: Uncertain significance for Epileptic encephalopathy. Last evaluated: 2018-12-01. Review status: criteria provided, single submitter. Criteria: Invitae Variant Classification Sherloc (09022015). Collection method: clinical testing. Allele origin: germline.
Comment: This sequence change replaces methionine with arginine at codon 3111 of the RYR3 protein (p.Met3111Arg). The methionine residue is moderately conserved and there is a moderate physicochemical difference between methionine and arginine. This variant is not present in population databases (ExAC no frequency) and has not been reported in the literature in individuals with a RYR3-related disease. Algorithms developed to predict the effect of missense changes on protein structure and function do not agree on the potential impact of this missense change (SIFT: "Deleterious"; PolyPhen-2: "Benign"; Align-GVGD: "Class C0"). In summary, this variant is a novel missense change with uncertain impact on protein function. It has been classified as a Variant of Uncertain Significance.

NM_001036.6(RYR3):c.9332T>G (p.Met3111Arg)

Gene: RYR3 (ryanodine receptor 3; plus strand). Cytogenetic location: 15q14.
Variant type: single nucleotide variant.
Coding change: c.9332T>G on transcript NM_001036.6 (MANE Select); coding-DNA position 9332, T replaced by G.
Protein change: p.Met3111Arg; replaces methionine 3111 with arginine.
Molecular consequence: missense variant.
Genome position (GRCh38, 1-based): chr15:33,785,725, T>G. VCF-style: chr15-33785725-T-G. GRCh37 (hg19) VCF-style: chr15-34077926-T-G.
Other names: c.9332T>G, p.Met3111Arg (NM_001243996.4); short protein forms M3111R.
Identifiers: ClinVar variation 461986 (VCV000461986.9), dbSNP rs1555456725, ClinGen allele CA391590267.
Genomic context (GRCh38, chr15:33,785,725, plus strand): 5'-TGGGGATGCCAGACACGGTAGAAGACATGTGTCCTGACATCCCCCAGCTGGAAGGCCTGA[T>G]GAAGGAAATCAACGACCTGGCCGAGTCAGGGGCCCGGTACACAGAGATGCCCCATGTCAT-3'
Protein context (NP_001027.3, residues 3101-3121): CPDIPQLEGL[Met3111Arg]KEINDLAESG